The following is an entry in ClinVar:

ClinVar aggregate classification (germline): Uncertain significance (1 of 4 stars; one submission).

Submission:

Labcorp Genetics (formerly Invitae), Labcorp
Classification: Uncertain significance. Last evaluated: 2022-11-08. Review status: criteria provided, single submitter. Criteria: Invitae Variant Classification Sherloc (09022015). Collection method: clinical testing. Allele origin: germline.
Comment: In summary, the available evidence is currently insufficient to determine the role of this variant in disease. Therefore, it has been classified as a Variant of Uncertain Significance. Variants that disrupt the consensus splice site are a relatively common cause of aberrant splicing (PMID: 17576681, 9536098). Algorithms developed to predict the effect of sequence changes on RNA splicing suggest that this variant may disrupt the consensus splice site. This variant has not been reported in the literature in individuals affected with ORC4-related conditions. This variant is not present in population databases (gnomAD no frequency). This sequence change falls in intron 13 of the ORC4 gene. It does not directly change the encoded amino acid sequence of the ORC4 protein. It affects a nucleotide within the consensus splice site.

Literature cited by the submitters: PubMed 17576681; PubMed 9536098.

NM_181741.4(ORC4):c.1122+3_1122+7del

Gene: ORC4 (origin recognition complex subunit 4; minus strand). Cytogenetic location: 2q23.1.
Variant type: Deletion.
Coding change: c.1122+3_1122+7del on transcript NM_181741.4 (MANE Select); bases 3 to 7 of the intron after coding-DNA position 1122, 5 bases deleted (AAGAT; older notation c.1122+3_1122+7delAAGAT).
Molecular consequence: splice donor variant.
Genome position (GRCh38, 1-based): chr2:147,938,139-147,938,143, ATCTT deleted on the plus strand (AAGAT on the coding strand, the reverse complement: ORC4 is on the minus strand); deleting any 5 consecutive bases within chr2:147,938,139-147,938,144 gives the same sequence; the c. name uses the placement nearest the transcript's 3' end. VCF-style (leftmost placement, unchanged base first): chr2-147938138-AATCTT-A. GRCh37 (hg19) VCF-style: chr2-148695707-AATCTT-A.
Other names: c.1122+3_1122+7del (NM_181742.4, NM_001190879.3, NM_002552.5 and 1 more transcripts); c.870+3_870+7del (NM_001190881.3, NM_001374272.1); c.900+3_900+7del (NM_001190882.3).
Identifiers: ClinVar variation 2135395 (VCV002135395.4), dbSNP rs2467859873, ClinGen allele CA2580063838.
Genomic context (GRCh38, chr2:147,938,138, plus strand): 5'-ATACATAATCAAATTGGATGTAAAAAATATACTTGTCTGTAGAAAAATGACAGCAAACTA[AATCTT>A]ACCTTCATGACAACAGGTTTTTCAAAATTATAAACGGAATGTGCTTTCCTTTGAACAAAC-3'